The following is an entry in ClinVar:

NM_016233.2(PADI3):c.750C>T (p.Phe250=)

Gene: PADI3 (peptidyl arginine deiminase 3; plus strand). Cytogenetic location: 1p36.13.
Variant type: single nucleotide variant.
Coding change: c.750C>T on transcript NM_016233.2 (MANE Select); coding-DNA position 750, C replaced by T.
Protein change: p.Phe250=; no amino-acid change (phenylalanine 250 retained).
Molecular consequence: synonymous variant.
Genome position (GRCh38, 1-based): chr1:17,270,330, C>T. VCF-style: chr1-17270330-C-T. GRCh37 (hg19) VCF-style: chr1-17596825-C-T.
Identifiers: ClinVar variation 4681324 (VCV004681324.6).

ClinVar aggregate classification (germline): Likely benign. Review status: criteria provided, multiple submitters, no conflicts (2 of 4 stars). 2 submissions from 2 submitters: Likely benign (2). Last evaluated 2025-12-01.

Submissions (2):

CeGaT Center for Human Genetics Tuebingen
Classification: Likely benign. Last evaluated: 2025-12-01. Review status: criteria provided, single submitter. Criteria: CeGaT Center For Human Genetics Tuebingen Variant Classification Criteria Version 2. Collection method: clinical testing. Allele origin: germline. Affected: yes. Observed: 1 variant allele.
Comment: PADI3: BP4, BP7

Blueprint Genetics
Classification: Likely benign. Last evaluated: 2024-11-14. Review status: criteria provided, single submitter. Criteria: ACMG Guidelines, 2015. Collection method: clinical testing. Allele origin: germline.